The following is an entry in ClinVar:

NM_018122.5(DARS2):c.1255A>G (p.Met419Val)

Gene: DARS2 (aspartyl-tRNA synthetase 2, mitochondrial; plus strand). Cytogenetic location: 1q25.1.
Variant type: single nucleotide variant.
Coding change: c.1255A>G on transcript NM_018122.5 (MANE Select); coding-DNA position 1255, A replaced by G.
Protein change: p.Met419Val; replaces methionine 419 with valine.
Molecular consequence: missense variant. On other transcripts: intron variant (1).
Genome position (GRCh38, 1-based): chr1:173,850,390, A>G. VCF-style: chr1-173850390-A-G. GRCh37 (hg19) VCF-style: chr1-173819528-A-G.
Other names: c.1255A>G (NM_018122.4); c.1255A>G, p.Met419Val (NM_001365213.2); c.1192-2959A>G (NM_001365212.1); short protein forms M419V.
Identifiers: ClinVar variation 2081471 (VCV002081471.5), dbSNP rs777486345, ClinGen allele CA1250379.

ClinVar aggregate classification (germline): Uncertain significance. Review status: criteria provided, multiple submitters, no conflicts (2 of 4 stars). 2 submissions from 2 submitters: Uncertain significance (2). Last evaluated 2024-10-16.

Conditions:
Inborn genetic diseases. Identifiers: MedGen C0950123, MeSH D030342.

Allele frequency attached by ClinVar (database versions not stated): gnomAD 0.00001; gnomAD exomes 0.00001; ExAC 0.00003; TOPMed 0.00005.
gnomAD v4.1: 12 of 1,613,746 alleles (0.00074%); highest among the groups gnomAD compares: Non-Finnish European, 0.001%; no homozygotes.

Submissions (2):

Labcorp Genetics (formerly Invitae), Labcorp
Classification: Uncertain significance. Last evaluated: 2024-10-16. Review status: criteria provided, single submitter. Criteria: Invitae Variant Classification Sherloc (09022015). Collection method: clinical testing. Allele origin: germline.
Comment: This sequence change replaces methionine, which is neutral and non-polar, with valine, which is neutral and non-polar, at codon 419 of the DARS2 protein (p.Met419Val). This variant is present in population databases (rs777486345, gnomAD 0.004%). This variant has not been reported in the literature in individuals affected with DARS2-related conditions. ClinVar contains an entry for this variant (Variation ID: 2081471). Invitae Evidence Modeling of protein sequence and biophysical properties (such as structural, functional, and spatial information, amino acid conservation, physicochemical variation, residue mobility, and thermodynamic stability) indicates that this missense variant is expected to disrupt DARS2 protein function with a positive predictive value of 80%. In summary, the available evidence is currently insufficient to determine the role of this variant in disease. Therefore, it has been classified as a Variant of Uncertain Significance.

Ambry Genetics
Classification: Uncertain significance for Inborn genetic diseases. Last evaluated: 2024-01-03. Review status: criteria provided, single submitter. Criteria: Ambry Variant Classification Scheme 2023. Collection method: clinical testing. Allele origin: germline.